The following is an entry in ClinVar:

ClinVar aggregate classification (germline): Uncertain significance (1 of 4 stars; one submission).

Conditions:
Inborn genetic diseases. Identifiers: MedGen C0950123, MeSH D030342.

gnomAD v4.1: 5 of 1,614,148 alleles (0.00031%); highest among the groups gnomAD compares: Non-Finnish European, 0.00042%; no homozygotes.

Submission:

Ambry Genetics
Classification: Uncertain significance for Inborn genetic diseases. Last evaluated: 2024-12-12. Review status: criteria provided, single submitter. Criteria: Ambry Variant Classification Scheme 2023. Collection method: clinical testing. Allele origin: germline.
Comment: The p.K572N variant (also known as c.1716A>C), located in coding exon 8 of the MECOM gene, results from an A to C substitution at nucleotide position 1716. The lysine at codon 572 is replaced by asparagine, an amino acid with similar properties. This amino acid position is conserved. In addition, this alteration is predicted to be tolerated by in silico analysis. Based on the available evidence, the clinical significance of this variant remains unclear.

NM_004991.4(MECOM):c.1716A>C (p.Lys572Asn)

Gene: MECOM (MDS1 and EVI1 complex locus; minus strand). Cytogenetic location: 3q26.2.
Variant type: single nucleotide variant.
Coding change: c.1716A>C on transcript NM_004991.4 (MANE Select); coding-DNA position 1716, A replaced by C.
Protein change: p.Lys572Asn; replaces lysine 572 with asparagine.
Molecular consequence: missense variant. On other transcripts: intron variant (2).
Genome position (GRCh38, 1-based): chr3:169,116,156, T>G on the plus strand (A>C on the coding strand, the complement: MECOM is on the minus strand). VCF-style: chr3-169116156-T-G. GRCh37 (hg19) VCF-style: chr3-168833944-T-G.
Other names: c.1347A>C, p.Lys449Asn (NM_001105077.4); c.1152A>C, p.Lys384Asn (NM_001105078.4, NM_001164000.2, NM_001205194.2 and 4 more transcripts); c.1155A>C, p.Lys385Asn (NM_001163999.2, NM_001366467.2, NM_001366468.2 and 1 more transcripts); c.1716A>C, p.Lys572Asn (NM_001366466.2); c.1133-389A>C (NM_001366473.2); c.569-389A>C (NM_001366474.2); short protein forms K384N, K572N, K385N, K449N.
Identifiers: ClinVar variation 3871587 (VCV003871587.1).